The following is an entry in ClinVar:

ClinVar aggregate classification (germline): Pathogenic (1 of 4 stars; one submission).

Conditions:
Familial cancer of breast. Also called: Hereditary breast cancer; BREAST CANCER, FAMILIAL; hereditary breast carcinoma. Identifiers: Orphanet 227535, MedGen C0346153, MONDO:0016419, OMIM 114480. Disease mechanism: loss of function.

Submission:

Myriad Genetics, Inc.
Classification: Pathogenic for Familial cancer of breast. Last evaluated: 2023-10-19. Review status: criteria provided, single submitter. Criteria: Myriad Autosomal Dominant, Autosomal Recessive and X-Linked Classification Criteria (2023). Collection method: clinical testing. Allele origin: unknown.
Comment: This variant is considered pathogenic. This variant creates a frameshift predicted to result in premature protein truncation.

NM_007194.4(CHEK2):c.710_718delinsGG (p.Ala237fs)

Gene: CHEK2 (checkpoint kinase 2; minus strand). Cytogenetic location: 22q12.1.
Variant type: Indel.
Coding change: c.710_718delinsGG on transcript NM_007194.4 (MANE Select); coding-DNA positions 710 to 718, CTTTCGAGA replaced by GG.
Protein change: p.Ala237fs; shifts the reading frame from alanine 237.
Molecular consequence: frameshift variant.
Genome position (GRCh38, 1-based): chr22:28,711,983-28,711,991, TCTCGAAAG replaced by CC on the plus strand (CTTTCGAGA replaced by GG on the coding strand, the reverse complement: CHEK2 is on the minus strand). VCF-style: chr22-28711983-TCTCGAAAG-CC. GRCh37 (hg19) VCF-style: chr22-29107971-TCTCGAAAG-CC.
Other names: c.839_847delCTTTCGAGAinsGG, p.Ala280Glyfs (NM_001005735.3); c.47_55delCTTTCGAGAinsGG, p.Ala16Glyfs (NM_001257387.3); c.509_517delCTTTCGAGAinsGG, p.Ala170Glyfs (NM_001349956.3); c.710_718delCTTTCGAGAinsGG, p.Ala237Glyfs (NM_145862.3); short protein forms A16fs, A170fs, A237fs, A280fs.
Identifiers: ClinVar variation 2673984 (VCV002673984.1), dbSNP rs2517962557, ClinGen allele CA2695200101.